The following is an entry in ClinVar:

NM_020719.3(PRR12):c.1230T>G (p.Arg410=)

Gene: PRR12 (proline rich 12; plus strand). Cytogenetic location: 19q13.33.
Variant type: single nucleotide variant.
Coding change: c.1230T>G on transcript NM_020719.3 (MANE Select); coding-DNA position 1230, T replaced by G.
Protein change: p.Arg410=; no amino-acid change (arginine 410 retained).
Molecular consequence: synonymous variant.
Genome position (GRCh38, 1-based): chr19:49,595,565, T>G. VCF-style: chr19-49595565-T-G. GRCh37 (hg19) VCF-style: chr19-50098822-T-G.
Identifiers: ClinVar variation 3051614 (VCV003051614.2), dbSNP rs2122289900, ClinGen allele CA406861688.

ClinVar aggregate classification (germline): Likely benign (0 of 4 stars; one submission).

Conditions:
PRR12-related disorder. Also called: PRR12-related condition.

Submission:

PreventionGenetics, part of Exact Sciences
Classification: Likely benign for PRR12-related condition. Last evaluated: 2019-02-26. Review status: no assertion criteria provided. Collection method: clinical testing. Allele origin: germline.
Comment: This variant is classified as likely benign based on ACMG/AMP sequence variant interpretation guidelines (Richards et al. 2015 PMID: 25741868, with internal and published modifications).